The following is an entry in ClinVar:

ClinVar aggregate classification (germline): Uncertain significance (1 of 4 stars; one submission).

Allele frequency attached by ClinVar (database versions not stated): gnomAD exomes 0.00001; TOPMed 0.00001.
gnomAD v4.1: 20 of 1,599,274 alleles (0.0013%); highest among the groups gnomAD compares: Admixed American, 0.0017%; no homozygotes.

Submission:

Labcorp Genetics (formerly Invitae), Labcorp
Classification: Uncertain significance. Last evaluated: 2025-02-13. Review status: criteria provided, single submitter. Criteria: Invitae Variant Classification Sherloc (09022015). Collection method: clinical testing. Allele origin: germline.
Comment: This sequence change replaces arginine, which is basic and polar, with cysteine, which is neutral and slightly polar, at codon 155 of the RPSA protein (p.Arg155Cys). This variant is present in population databases (no rsID available, gnomAD 0.01%). This variant has not been reported in the literature in individuals affected with RPSA-related conditions. ClinVar contains an entry for this variant (Variation ID: 2186149). Invitae Evidence Modeling of protein sequence and biophysical properties (such as structural, functional, and spatial information, amino acid conservation, physicochemical variation, residue mobility, and thermodynamic stability) indicates that this missense variant is not expected to disrupt RPSA protein function with a negative predictive value of 80%. In summary, the available evidence is currently insufficient to determine the role of this variant in disease. Therefore, it has been classified as a Variant of Uncertain Significance.

NM_002295.6(RPSA):c.463C>T (p.Arg155Cys)

Gene: RPSA (ribosomal protein SA; plus strand). Cytogenetic location: 3p22.1.
Variant type: single nucleotide variant.
Coding change: c.463C>T on transcript NM_002295.6 (MANE Select); coding-DNA position 463, C replaced by T.
Protein change: p.Arg155Cys; replaces arginine 155 with cysteine.
Molecular consequence: missense variant.
Genome position (GRCh38, 1-based): chr3:39,410,964, C>T. VCF-style: chr3-39410964-C-T. GRCh37 (hg19) VCF-style: chr3-39452455-C-T.
Other names: c.463C>T, p.Arg155Cys (NM_001012321.1); c.478C>T, p.Arg160Cys (NM_001304288.2); short protein forms R155C, R160C.
Identifiers: ClinVar variation 2186149 (VCV002186149.4), dbSNP rs1490890120, ClinGen allele CA352213446.